The following is an entry in ClinVar:

NM_000038.6(APC):c.2767A>T (p.Arg923Ter)

Gene: APC (APC regulator of Wnt signaling pathway; plus strand). Cytogenetic location: 5q22.2.
Variant type: single nucleotide variant.
Coding change: c.2767A>T on transcript NM_000038.6 (MANE Select); coding-DNA position 2767, A replaced by T.
Protein change: p.Arg923Ter; replaces arginine 923 with a stop codon.
Molecular consequence: nonsense. On other transcripts: non-coding transcript variant (2).
Genome position (GRCh38, 1-based): chr5:112,838,361, A>T. VCF-style: chr5-112838361-A-T. GRCh37 (hg19) VCF-style: chr5-112174058-A-T.
Other names: c.2767A>T, p.Arg923Ter (NM_001127510.3, NM_001354895.2, NM_001407450.1); c.2713A>T, p.Arg905Ter (NM_001127511.3); c.2821A>T, p.Arg941Ter (NM_001354896.2, NM_001407447.1, NM_001407448.1 and 1 more transcripts); c.2797A>T, p.Arg933Ter (NM_001354897.2); c.2692A>T, p.Arg898Ter (NM_001354898.2); c.2683A>T, p.Arg895Ter (NM_001354899.2); c.2644A>T, p.Arg882Ter (NM_001354900.2); c.2590A>T, p.Arg864Ter (NM_001354901.2, NM_001407453.1); and 11 more; short protein forms R539*, R640*, R763*, R794*, R797*, R822*, R832*, R840*.
Identifiers: ClinVar variation 2584259 (VCV002584259.2), dbSNP rs1765259490, ClinGen allele CA16027367.

ClinVar aggregate classification (germline): Pathogenic (1 of 4 stars; one submission).

Conditions:
Familial adenomatous polyposis 1 (FAP1). Also called: FAMILIAL ADENOMATOUS POLYPOSIS 1, ATTENUATED; POLYPOSIS, ADENOMATOUS INTESTINAL. Identifiers: MedGen C2713442, MONDO:0021056, OMIM 175100. Disease mechanism: loss of function.

Submission:

Myriad Genetics, Inc.
Classification: Pathogenic for Familial adenomatous polyposis 1. Last evaluated: 2023-05-05. Review status: criteria provided, single submitter. Criteria: Myriad Autosomal Dominant, Autosomal Recessive and X-Linked Classification Criteria (2023). Collection method: clinical testing. Allele origin: unknown.
Comment: This variant is considered pathogenic. This variant creates a termination codon and is predicted to result in premature protein truncation.